The following is an entry in ClinVar:

ClinVar aggregate classification (germline): Uncertain significance (1 of 4 stars; one submission).

Conditions:
Hereditary cancer-predisposing syndrome. Also called: Neoplastic Syndromes, Hereditary; Tumor predisposition; Hereditary neoplastic syndrome; Hereditary Cancer Syndrome. Identifiers: Orphanet 140162, MedGen C0027672, MeSH D009386, MONDO:0015356.

Submission:

Ambry Genetics
Classification: Uncertain significance for Hereditary cancer-predisposing syndrome. Last evaluated: 2024-01-11. Review status: criteria provided, single submitter. Criteria: Ambry Variant Classification Scheme 2023. Collection method: clinical testing. Allele origin: germline.
Comment: The complex rearrangement involves an inversion of coding exon 6 and deletion of coding exon 7 in the BRCA1 gene; however, the exact breakpoints of this complex alteration were not determined. While large rearrangements are typically deleterious in nature, this region of BRCA1 is subject to alternative splicing that results in several in-frame transcripts that lack exon 7 (referred to as exon 9 in the literature), and the exact functional effect of this complex rearrangement is unknown at this time (Colombo M et al. Hum. Mol. Genet. 2014 Jul;23:3666-80). Since supporting evidence is limited at this time, the clinical significance of this alteration remains unclear.

NM_007294.4(BRCA1):c.442-1_531inv

Gene: BRCA1 (BRCA1 DNA repair associated; minus strand). Cytogenetic location: 17q21.31.
Variant type: Inversion.
Coding change: c.442-1_531inv on transcript NM_007294.4 (MANE Select).
Molecular consequence: splice acceptor variant. On other transcripts: intron variant (2).
Genome position: GRCh38: chr17:43,099,791-43,099,881. GRCh37 (hg19): chr17:41,251,808-41,251,898.
Other names: c.301-1_390inv (NM_001408458.1, NM_001407922.1, NM_001408469.1 and 61 more transcripts); c.-218-5021_-218-4931inv (NM_001407967.1, NM_001407966.1); c.61-1_150inv (NM_001407959.1, NM_001408512.1, NM_001408510.1 and 3 more transcripts); c.301-4_387inv (NM_001407931.1, NM_001407747.1, NM_001408470.1 and 35 more transcripts); c.61-4_147inv (NM_001407962.1); c.232-1_321inv (NM_001407885.1, NM_001407886.1, NM_001407902.1 and 37 more transcripts); c.442-4_528inv (NM_001408398.1, NM_001407992.1, NM_001407629.1 and 65 more transcripts); c.442-1_531inv (NM_001408440.1, NM_001408428.1, NM_001407678.1 and 96 more transcripts); and 5 more.
Identifiers: ClinVar variation 3226155 (VCV003226155.1), ClinGen allele CA2825002523.